The following is an entry in ClinVar:

NM_001365999.1(SZT2):c.5870G>A (p.Arg1957Lys)

Gene: SZT2 (SZT2 subunit of KICSTOR complex; plus strand). Cytogenetic location: 1p34.2.
Variant type: single nucleotide variant.
Coding change: c.5870G>A on transcript NM_001365999.1 (MANE Select); coding-DNA position 5870, G replaced by A.
Protein change: p.Arg1957Lys; replaces arginine 1957 with lysine.
Molecular consequence: missense variant.
Genome position (GRCh38, 1-based): chr1:43,434,451, G>A. VCF-style: chr1-43434451-G-A. GRCh37 (hg19) VCF-style: chr1-43900122-G-A.
Other names: c.5699G>A, p.Arg1900Lys (NM_015284.4); short protein forms R1900K, R1957K.
Identifiers: ClinVar variation 1310788 (VCV001310788.2), dbSNP rs1394121060, ClinGen allele CA340027280.
Genomic context (GRCh38, chr1:43,434,451, plus strand): 5'-TGATTCGGGAGGATGGGGGGCCGGGCACTGAGTGTCGCCACCTGCAGCAGCTCCTGGTGA[G>A]GCGAGTTGGGGAGATCTGCAGGGAGGTCAACCAGGTAAGGGGCAGGACTCTCCAGACCCG-3'
Protein context (NP_001352928.1, residues 1947-1967): ECRHLQQLLV[Arg1957Lys]RVGEICREVN

ClinVar aggregate classification (germline): Uncertain significance (1 of 4 stars; one submission).

Submission:

GeneDx
Classification: Uncertain significance. Last evaluated: 2019-12-03. Review status: criteria provided, single submitter. Criteria: GeneDx Variant Classification Process June 2021. Collection method: clinical testing. Allele origin: germline. Affected: yes.
Comment: In silico analysis, which includes protein predictors and evolutionary conservation, supports that this variant does not alter protein structure/function; Has not been previously published as pathogenic or benign to our knowledge; No data available from control populations to assess the frequency of this variant